The following is an entry in ClinVar:

ClinVar aggregate classification (germline): Uncertain significance (1 of 4 stars; one submission).

Conditions:
Hereditary cancer-predisposing syndrome. Also called: Tumor predisposition; Hereditary neoplastic syndrome; Neoplastic Syndromes, Hereditary; Hereditary Cancer Syndrome. Identifiers: Orphanet 140162, MedGen C0027672, MeSH D009386, MONDO:0015356.

Submission:

Ambry Genetics
Classification: Uncertain significance for Hereditary cancer-predisposing syndrome. Last evaluated: 2025-06-06. Review status: criteria provided, single submitter. Criteria: Ambry Variant Classification Scheme 2023. Collection method: clinical testing. Allele origin: germline.
Comment: The p.R545P variant (also known as c.1634G>C), located in coding exon 13 of the BAP1 gene, results from a G to C substitution at nucleotide position 1634. The arginine at codon 545 is replaced by proline, an amino acid with dissimilar properties. This amino acid position is conserved. In addition, this alteration is predicted to be deleterious by in silico analysis. Based on the available evidence, the clinical significance of this variant remains unclear.

NM_004656.4(BAP1):c.1634G>C (p.Arg545Pro)

Gene: BAP1 (BRCA1 associated deubiquitinase 1; minus strand). Cytogenetic location: 3p21.1.
Variant type: single nucleotide variant.
Coding change: c.1634G>C on transcript NM_004656.4 (MANE Select); coding-DNA position 1634, G replaced by C.
Protein change: p.Arg545Pro; replaces arginine 545 with proline.
Molecular consequence: missense variant.
Genome position (GRCh38, 1-based): chr3:52,403,511, C>G on the plus strand (G>C on the coding strand, the complement: BAP1 is on the minus strand). VCF-style: chr3-52403511-C-G. GRCh37 (hg19) VCF-style: chr3-52437527-C-G.
Other names: c.1580G>C, p.Arg527Pro (NM_001410772.1); short protein forms R527P, R545P.
Identifiers: ClinVar variation 3987184 (VCV003987184.1).
Genomic context (GRCh38, chr3:52,403,511, plus strand): 5'-GCCAGGTGCAGCAGGCCTGTGCTGATGACAGGACCCAGATCACGGACAGCACGGTTGTAG[C>G]GTATGCAGTCAACACGCAGCAGGCTGTCATCCTCTCCAAAAAGCACCTTGGAGATGTGGG-3'
Protein context (NP_004647.1, residues 535-555): DDSLLRVDCI[Arg545Pro]YNRAVRDLGP